The following is an entry in ClinVar:

NM_006206.6(PDGFRA):c.2558G>C (p.Gly853Ala)

Gene: PDGFRA (platelet derived growth factor receptor alpha; plus strand). Cytogenetic location: 4q12.
Variant type: single nucleotide variant.
Coding change: c.2558G>C on transcript NM_006206.6 (MANE Select); coding-DNA position 2558, G replaced by C.
Protein change: p.Gly853Ala; replaces glycine 853 with alanine.
Molecular consequence: missense variant.
Genome position (GRCh38, 1-based): chr4:54,285,959, G>C. VCF-style: chr4-54285959-G-C. GRCh37 (hg19) VCF-style: chr4-55152126-G-C.
Other names: c.2633G>C, p.Gly878Ala (NM_001347828.2); c.2558G>C, p.Gly853Ala (NM_001347829.2); c.2597G>C, p.Gly866Ala (NM_001347830.2); short protein forms G878A, G866A, G853A.
Identifiers: ClinVar variation 1517254 (VCV001517254.8), dbSNP rs763576329, ClinGen allele CA2922890.

ClinVar aggregate classification (germline): Uncertain significance (1 of 4 stars; one submission).

Conditions:
Gastrointestinal stromal tumor. Also called: Gastrointestinal stromal tumor, somatic; Gastrointestinal stroma tumor. Identifiers: Orphanet 44890, MedGen C0238198, MeSH D046152, MONDO:0011719, OMIM 606764, HP:0100723.

Allele frequency attached by ClinVar (database versions not stated): gnomAD exomes below 0.00001 and 0.00001; ExAC 0.00002.
gnomAD v4.1: 2 of 1,614,040 alleles (0.00012%); highest among the groups gnomAD compares: Non-Finnish European, 0.00017%; no homozygotes.

Submission:

Labcorp Genetics (formerly Invitae), Labcorp
Classification: Uncertain significance for Gastrointestinal stromal tumor. Last evaluated: 2021-03-17. Review status: criteria provided, single submitter. Criteria: Invitae Variant Classification Sherloc (09022015). Collection method: clinical testing. Allele origin: germline.
Comment: This sequence change replaces glycine with alanine at codon 853 of the PDGFRA protein (p.Gly853Ala). The glycine residue is highly conserved and there is a small physicochemical difference between glycine and alanine. This variant is present in population databases (rs763576329, ExAC 0.003%). This variant has not been reported in the literature in individuals with PDGFRA-related conditions. Algorithms developed to predict the effect of missense changes on protein structure and function are either unavailable or do not agree on the potential impact of this missense change (SIFT: "Tolerated"; PolyPhen-2: "Possibly Damaging"; Align-GVGD: "Class C0"). In summary, the available evidence is currently insufficient to determine the role of this variant in disease. Therefore, it has been classified as a Variant of Uncertain Significance.